The following is an entry in ClinVar:

NM_001164508.2(NEB):c.6183+17C>T

Gene: NEB (nebulin; minus strand). Cytogenetic location: 2q23.3.
Variant type: single nucleotide variant.
Coding change: c.6183+17C>T on transcript NM_001164508.2 (MANE Select); 17 bases into the intron after coding-DNA position 6183, C replaced by T.
Molecular consequence: intron variant.
Genome position (GRCh38, 1-based): chr2:151,657,966, G>A on the plus strand (C>T on the coding strand, the complement: NEB is on the minus strand). VCF-style: chr2-151657966-G-A. GRCh37 (hg19) VCF-style: chr2-152514480-G-A.
Other names: c.6183+17C>T (NM_004543.5, NM_001164507.2, NM_001271208.2).
Identifiers: ClinVar variation 388192 (VCV000388192.10), dbSNP rs371738434, ClinGen allele CA1910162.
Genomic context (GRCh38, chr2:151,657,966, plus strand): 5'-GTGTTTCCAGAACTCAGCCCTTATTATTTCGGTTCCTTAGAAACCCCCAGCCAGGTGACC[G>A]TTTCCTTTGGACTTACATCACTTGCAATATCTCTGGAAGCCTTGGCAGCTTTGATAGGAA-3'

ClinVar aggregate classification (germline): Likely benign. Review status: criteria provided, multiple submitters, no conflicts (2 of 4 stars). 3 submissions from 3 submitters: Likely benign (3). Last evaluated 2026-01-18.

Conditions:
Nemaline myopathy 2 (NEM2). Also called: Nemaline myopathy 2, autosomal recessive. Identifiers: MedGen C1850569, MONDO:0009725, OMIM 256030.

Allele frequency attached by ClinVar (database versions not stated): gnomAD exomes 0.00012; 1000 Genomes Project 0.00020; ExAC 0.00028; TOPMed 0.00030; 1000 Genomes Project 30x 0.00031; gnomAD 0.00031 and 0.00034; ESP Exome Variant Server 0.00050.
gnomAD v4.1: 235 of 1,555,450 alleles (0.015%); highest among the groups gnomAD compares: African/African-American, 0.08%; no homozygotes.

Submissions (3):

Labcorp Genetics (formerly Invitae), Labcorp
Classification: Likely benign for Nemaline myopathy 2. Last evaluated: 2026-01-18. Review status: criteria provided, single submitter. Criteria: Invitae Variant Classification Sherloc (09022015). Collection method: clinical testing. Allele origin: germline.

Blueprint Genetics
Classification: Likely benign. Last evaluated: 2024-03-05. Review status: criteria provided, single submitter. Criteria: ACMG Guidelines, 2015. Collection method: clinical testing. Allele origin: germline.

GeneDx
Classification: Likely benign. Last evaluated: 2016-08-16. Review status: criteria provided, single submitter. Criteria: GeneDx Variant Classification (06012015). Collection method: clinical testing. Allele origin: germline. Affected: yes.
Comment: This variant is considered likely benign or benign based on one or more of the following criteria: it is a conservative change, it occurs at a poorly conserved position in the protein, it is predicted to be benign by multiple in silico algorithms, and/or has population frequency not consistent with disease.